The following is an entry in ClinVar:

NM_007327.4(GRIN1):c.2443G>T (p.Gly815Trp)

Gene: GRIN1 (glutamate ionotropic receptor NMDA type subunit 1; plus strand). Cytogenetic location: 9q34.3.
Variant type: single nucleotide variant.
Coding change: c.2443G>T on transcript NM_007327.4 (MANE Select); coding-DNA position 2443, G replaced by T.
Protein change: p.Gly815Trp; replaces glycine 815 with tryptophan.
Molecular consequence: missense variant.
Genome position (GRCh38, 1-based): chr9:137,163,668, G>T. VCF-style: chr9-137163668-G-T. GRCh37 (hg19) VCF-style: chr9-140058120-G-T.
Other names: c.2443G>T, p.Gly815Trp (NM_000832.7, NM_021569.4); c.2506G>T, p.Gly836Trp (NM_001185090.2, NM_001185091.2); short protein forms G815W, G836W.
Identifiers: ClinVar variation 1187868 (VCV001187868.9), dbSNP rs797044925, ClinGen allele CA375726029.

ClinVar aggregate classification (germline): Conflicting classifications of pathogenicity. Review status: criteria provided, conflicting classifications (1 of 4 stars). 2 submissions from 2 submitters: Pathogenic (1); Uncertain significance (1). Last evaluated 2025-08-02.

Conditions:
Neurodevelopmental disorder with or without hyperkinetic movements and seizures, autosomal dominant. Also called: Intellectual disability, autosomal dominant 8. Identifiers: MedGen C3280282, MONDO:0013655, OMIM 614254.

Submissions (2):

GeneDx
Classification: Pathogenic. Last evaluated: 2025-08-02. Review status: criteria provided, single submitter. Criteria: GeneDx Variant Classification Process June 2021. Collection method: clinical testing. Allele origin: germline. Affected: yes.
Comment: In silico analysis supports that this missense variant has a deleterious effect on protein structure/function; In silico analysis is inconclusive as to whether the variant alters gene splicing. In the absence of RNA/functional studies, the actual effect of this sequence change is unknown.; Not observed at significant frequency in large population cohorts (gnomAD); This variant is associated with the following publications: (PMID: 27164704, 28507080, 31176596)

Labcorp Genetics (formerly Invitae), Labcorp
Classification: Uncertain significance for Neurodevelopmental disorder with or without hyperkinetic movements and seizures, autosomal dominant. Last evaluated: 2021-02-24. Review status: criteria provided, single submitter. Criteria: Invitae Variant Classification Sherloc (09022015). Collection method: clinical testing. Allele origin: germline.
Comment: This variant is not present in population databases (ExAC no frequency). This variant has been observed in individual(s) with clinical features of GRIN1-related conditions (Invitae). Experimental studies have shown that this variant affects GRIN1 protein function (PMID: 28507080). Nucleotide substitutions within the consensus splice site are a relatively common cause of aberrant splicing (PMID: 17576681, 9536098). Algorithms developed to predict the effect of sequence changes on RNA splicing suggest that this variant may disrupt the consensus splice site, but this prediction has not been confirmed by published transcriptional studies. This variant disrupts the c.2443G nucleotide in the GRIN1 gene. Other variant(s) that disrupt this nucleotide have been determined to be pathogenic (PMID: 30217972, 27164704, 25864721). This suggests that this nucleotide is clinically significant, and that variants that disrupt this position are likely to be disease-causing. In summary, the available evidence is currently insufficient to determine the role of this variant in disease. Therefore, it has been classified as a Variant of Uncertain Significance. This sequence change replaces glycine with tryptophan at codon 815 of the GRIN1 protein (p.Gly815Trp). The glycine residue is highly conserved and there is a large physicochemical difference between glycine and tryptophan. This variant also falls at the last nucleotide of exon 17, which is part of the consensus splice site for this exon.

Literature cited by the submitters: PubMed 28507080 (cited by Labcorp Genetics (formerly Invitae), Labcorp); PubMed 17576681 (cited by Labcorp Genetics (formerly Invitae), Labcorp); PubMed 9536098 (cited by Labcorp Genetics (formerly Invitae), Labcorp); PubMed 30217972 (cited by Labcorp Genetics (formerly Invitae), Labcorp); PubMed 27164704 (cited by Labcorp Genetics (formerly Invitae), Labcorp); PubMed 25864721 (cited by Labcorp Genetics (formerly Invitae), Labcorp).